The following is an entry in ClinVar:

ClinVar aggregate classification (germline): Uncertain significance (1 of 4 stars; one submission).

Conditions:
DiGeorge syndrome. Also called: THIRD AND FOURTH PHARYNGEAL POUCH SYNDROME; Catch22. Identifiers: Orphanet 567, MedGen C0012236, MONDO:0008564, OMIM 188400.

Allele frequency attached by ClinVar (database versions not stated): gnomAD exomes below 0.00001.
gnomAD v4.1: 1 of 1,612,698 alleles (0.000062%); highest among the groups gnomAD compares: Non-Finnish European, 0.000085%; no homozygotes.

Submission:

Labcorp Genetics (formerly Invitae), Labcorp
Classification: Uncertain significance for DiGeorge syndrome. Last evaluated: 2022-03-20. Review status: criteria provided, single submitter. Criteria: Invitae Variant Classification Sherloc (09022015). Collection method: clinical testing. Allele origin: germline.
Comment: In summary, the available evidence is currently insufficient to determine the role of this variant in disease. Therefore, it has been classified as a Variant of Uncertain Significance. Algorithms developed to predict the effect of missense changes on protein structure and function are either unavailable or do not agree on the potential impact of this missense change (SIFT: "Deleterious"; PolyPhen-2: "Possibly Damaging"; Align-GVGD: "Class C0"). This variant has not been reported in the literature in individuals affected with TBX1-related conditions. This variant is not present in population databases (gnomAD no frequency). This sequence change replaces valine, which is neutral and non-polar, with alanine, which is neutral and non-polar, at codon 181 of the TBX1 protein (p.Val181Ala).

NM_001379200.1(TBX1):c.569T>C (p.Val190Ala)

Gene: TBX1 (T-box transcription factor 1; plus strand). Cytogenetic location: 22q11.21.
Variant type: single nucleotide variant.
Coding change: c.569T>C on transcript NM_001379200.1 (MANE Select); coding-DNA position 569, T replaced by C.
Protein change: p.Val190Ala; replaces valine 190 with alanine.
Molecular consequence: missense variant.
Genome position (GRCh38, 1-based): chr22:19,764,184, T>C. VCF-style: chr22-19764184-T-C. GRCh37 (hg19) VCF-style: chr22-19751707-T-C.
Other names: c.542T>C, p.Val181Ala (NM_005992.1, NM_080646.2, NM_080647.1); short protein forms V181A, V190A.
Identifiers: ClinVar variation 1948530 (VCV001948530.5), dbSNP rs2517849848, ClinGen allele CA410682658.
Genomic context (GRCh38, chr22:19,764,184, plus strand): 5'-ACATGCACGACCCCACCCCGTGCCGCTCCAGGTACGCCTTCCACAGCTCCTCCTGGCTGG[T>C]GGCGGGGAAGGCCGACCCTGCCACGCCAGGCCGCGTGCACTACCACCCGGACTCGCCTGC-3'
Protein context (NP_001366129.1, residues 180-200): RYAFHSSSWL[Val190Ala]AGKADPATPG